The following is an entry in ClinVar:

ClinVar aggregate classification (germline): Uncertain significance. Review status: criteria provided, multiple submitters, no conflicts (2 of 4 stars). 2 submissions from 2 submitters: Uncertain significance (2). Last evaluated 2023-02-24.

Conditions:
Early-infantile DEE. Also called: Early infantile epileptic encephalopathy; Early infantile epileptic encephalopathy with suppression bursts; Ohtahara syndrome. Identifiers: Orphanet 1934, MedGen C0393706, MONDO:0800491.

gnomAD v4.1: 1 of 1,324,930 alleles (0.000075%); highest among the groups gnomAD compares: Non-Finnish European, 0.000096%; no homozygotes.

Submissions (2):

Labcorp Genetics (formerly Invitae), Labcorp
Classification: Uncertain significance for Early-infantile DEE. Last evaluated: 2023-02-24. Review status: criteria provided, single submitter. Criteria: Invitae Variant Classification Sherloc (09022015). Collection method: clinical testing. Allele origin: germline.
Comment: Advanced modeling of protein sequence and biophysical properties (such as structural, functional, and spatial information, amino acid conservation, physicochemical variation, residue mobility, and thermodynamic stability) performed at Invitae indicates that this missense variant is not expected to disrupt HCN1 protein function. ClinVar contains an entry for this variant (Variation ID: 1319667). This variant has not been reported in the literature in individuals affected with HCN1-related conditions. This variant is not present in population databases (gnomAD no frequency). This sequence change replaces glycine, which is neutral and non-polar, with tryptophan, which is neutral and slightly polar, at codon 44 of the HCN1 protein (p.Gly44Trp). In summary, the available evidence is currently insufficient to determine the role of this variant in disease. Therefore, it has been classified as a Variant of Uncertain Significance.

Institute for Clinical Genetics, University Hospital TU Dresden, University Hospital TU Dresden
Classification: Uncertain significance. Last evaluated: 2021-11-03. Review status: criteria provided, single submitter. Criteria: ACMG Guidelines, 2015. Collection method: clinical testing. Allele origin: germline.

NM_021072.4(HCN1):c.130G>T (p.Gly44Trp)

Gene: HCN1 (hyperpolarization activated cyclic nucleotide gated potassium channel 1; minus strand). Cytogenetic location: 5p12.
Variant type: single nucleotide variant.
Coding change: c.130G>T on transcript NM_021072.4 (MANE Select); coding-DNA position 130, G replaced by T.
Protein change: p.Gly44Trp; replaces glycine 44 with tryptophan.
Molecular consequence: missense variant.
Genome position (GRCh38, 1-based): chr5:45,695,964, C>A on the plus strand (G>T on the coding strand, the complement: HCN1 is on the minus strand). VCF-style: chr5-45695964-C-A. GRCh37 (hg19) VCF-style: chr5-45696066-C-A.
Other names: short protein forms G44W.
Identifiers: ClinVar variation 1319667 (VCV001319667.6), dbSNP rs1421975269, ClinGen allele CA359706687.